The following is an entry in ClinVar:

ClinVar aggregate classification (germline): Uncertain significance (1 of 4 stars; one submission).

Conditions:
Cardiovascular phenotype. Identifiers: MedGen CN230736.

Submission:

Ambry Genetics
Classification: Uncertain significance for Cardiovascular phenotype. Last evaluated: 2024-09-17. Review status: criteria provided, single submitter. Criteria: Ambry Variant Classification Scheme 2023. Collection method: clinical testing. Allele origin: germline.
Comment: The p.D37V variant (also known as c.110A>T), located in coding exon 3 of the MYL2 gene, results from an A to T substitution at nucleotide position 110. The aspartic acid at codon 37 is replaced by valine, an amino acid with highly dissimilar properties. This amino acid position is conserved. In addition, this alteration is predicted to be deleterious by in silico analysis. Based on the available evidence, the clinical significance of this variant remains unclear.

NM_000432.4(MYL2):c.110A>T (p.Asp37Val)

Gene: MYL2 (myosin light chain 2; minus strand). Cytogenetic location: 12q24.11.
Variant type: single nucleotide variant.
Coding change: c.110A>T on transcript NM_000432.4 (MANE Select); coding-DNA position 110, A replaced by T.
Protein change: p.Asp37Val; replaces aspartic acid 37 with valine.
Molecular consequence: missense variant. On other transcripts: intron variant (1).
Genome position (GRCh38, 1-based): chr12:110,915,774, T>A on the plus strand (A>T on the coding strand, the complement: MYL2 is on the minus strand). VCF-style: chr12-110915774-T-A. GRCh37 (hg19) VCF-style: chr12-111353578-T-A.
Other names: c.53A>T, p.Asp18Val (NM_001406916.1); c.94-1450A>T (NM_001406745.1); short protein forms D18V, D37V.
Identifiers: ClinVar variation 3401039 (VCV003401039.1).